The following is an entry in ClinVar:

ClinVar aggregate classification (germline): Benign/Likely benign. Review status: criteria provided, multiple submitters, no conflicts (2 of 4 stars). 4 submissions from 4 submitters: Benign (3); Likely benign (1). Last evaluated 2026-01-27.

Allele frequency attached by ClinVar (database versions not stated): 1000 Genomes Project 0.00240; 1000 Genomes Project 30x 0.00250; ExAC 0.00430; gnomAD 0.00435 and 0.00437; gnomAD exomes 0.00450 and 0.00587; TOPMed 0.00476; ESP Exome Variant Server 0.00531.
gnomAD v4.1: 9,323 of 1,613,602 alleles (0.58%); highest among the groups gnomAD compares: Middle Eastern, 0.78%; 38 homozygotes.

Submissions (4):

Labcorp Genetics (formerly Invitae), Labcorp
Classification: Benign. Last evaluated: 2026-01-27. Review status: criteria provided, single submitter. Criteria: Invitae Variant Classification Sherloc (09022015). Collection method: clinical testing. Allele origin: germline.

CeGaT Center for Human Genetics Tuebingen
Classification: Likely benign. Last evaluated: 2024-11-01. Review status: criteria provided, single submitter. Criteria: CeGaT Center For Human Genetics Tuebingen Variant Classification Criteria Version 2. Collection method: clinical testing. Allele origin: germline. Affected: yes. Observed: 2 variant alleles.
Comment: GCKR: BP4, BS2

GeneDx
Classification: Benign. Last evaluated: 2020-12-17. Review status: criteria provided, single submitter. Criteria: GeneDx Variant Classification Process June 2021. Collection method: clinical testing. Allele origin: germline. Affected: yes.
Comment: This variant is associated with the following publications: (PMID: 31619059, 27403930)

Breakthrough Genomics
Classification: Benign. Review status: criteria provided, single submitter. Criteria: ACMG Guidelines, 2015. Collection method: not provided. Allele origin: germline. Inheritance: Unknown mechanism. Affected: yes.

NM_001486.4(GCKR):c.1619G>A (p.Arg540Gln)

Gene: GCKR (glucokinase regulator; plus strand). Cytogenetic location: 2p23.3.
Variant type: single nucleotide variant.
Coding change: c.1619G>A on transcript NM_001486.4 (MANE Select); coding-DNA position 1619, G replaced by A.
Protein change: p.Arg540Gln; replaces arginine 540 with glutamine.
Molecular consequence: missense variant.
Genome position (GRCh38, 1-based): chr2:27,522,506, G>A. VCF-style: chr2-27522506-G-A. GRCh37 (hg19) VCF-style: chr2-27745373-G-A.
Other names: short protein forms R540Q.
Identifiers: ClinVar variation 1169313 (VCV001169313.33), dbSNP rs8179249, ClinGen allele CA1582062.
Genomic context (GRCh38, chr2:27,522,506, plus strand): 5'-CACTTCTTCCTTAGCGGTTCTCTGGACAGTCCAAGGCTCGATGCATCGAGAGCCTCCTCC[G>A]AGCGATCCACTTTCCCCAGCCACTGTCAGATGATATTCGGGCTGCTCCCATCTCCTGCCA-3'
Protein context (NP_001477.2, residues 530-550): SKARCIESLL[Arg540Gln]AIHFPQPLSD